The following is an entry in ClinVar:

NM_006766.5(KAT6A):c.5449G>A (p.Ala1817Thr)

Gene: KAT6A (lysine acetyltransferase 6A; minus strand). Cytogenetic location: 8p11.21.
Variant type: single nucleotide variant.
Coding change: c.5449G>A on transcript NM_006766.5 (MANE Select); coding-DNA position 5449, G replaced by A.
Protein change: p.Ala1817Thr; replaces alanine 1817 with threonine.
Molecular consequence: missense variant.
Genome position (GRCh38, 1-based): chr8:41,932,771, C>T on the plus strand (G>A on the coding strand, the complement: KAT6A is on the minus strand). VCF-style: chr8-41932771-C-T. GRCh37 (hg19) VCF-style: chr8-41790289-C-T.
Other names: short protein forms A1817T.
Identifiers: ClinVar variation 1810644 (VCV001810644.4), dbSNP rs760447180, ClinGen allele CA371062401.

ClinVar aggregate classification (germline): Uncertain significance. Review status: criteria provided, multiple submitters, no conflicts (2 of 4 stars). 2 submissions from 2 submitters: Uncertain significance (2). Last evaluated 2023-08-07.

Submissions (2):

Labcorp Genetics (formerly Invitae), Labcorp
Classification: Uncertain significance. Last evaluated: 2023-08-07. Review status: criteria provided, single submitter. Criteria: Invitae Variant Classification Sherloc (09022015). Collection method: clinical testing. Allele origin: germline.
Comment: In summary, the available evidence is currently insufficient to determine the role of this variant in disease. Therefore, it has been classified as a Variant of Uncertain Significance. Experimental studies and prediction algorithms are not available or were not evaluated, and the functional significance of this variant is currently unknown. ClinVar contains an entry for this variant (Variation ID: 1810644). This variant has not been reported in the literature in individuals affected with KAT6A-related conditions. This variant is not present in population databases (gnomAD no frequency). This sequence change replaces alanine, which is neutral and non-polar, with threonine, which is neutral and polar, at codon 1817 of the KAT6A protein (p.Ala1817Thr).

GeneDx
Classification: Uncertain significance. Last evaluated: 2022-07-08. Review status: criteria provided, single submitter. Criteria: GeneDx Variant Classification Process June 2021. Collection method: clinical testing. Allele origin: germline. Affected: yes.
Comment: Not observed at significant frequency in large population cohorts (gnomAD); In silico analysis supports that this missense variant does not alter protein structure/function; Has not been previously published as pathogenic or benign to our knowledge